The following is an entry in ClinVar:

ClinVar aggregate classification (germline): Uncertain significance. Review status: criteria provided, multiple submitters, no conflicts (2 of 4 stars). 2 submissions from 2 submitters: Uncertain significance (2). Last evaluated 2026-01-19.

Conditions:
Glanzmann thrombasthenia. Also called: Glanzmann's thrombasthenia; BLEEDING DISORDER, PLATELET-TYPE, 2; THROMBASTHENIA OF GLANZMANN AND NAEGELI; Thrombasthenia; PLATELET GLYCOPROTEIN IIb-IIIa DEFICIENCY. Identifiers: Orphanet 849, MedGen C0040015, MONDO:0100326.

gnomAD v4.1: 63 of 1,614,074 alleles (0.0039%); highest among the groups gnomAD compares: Admixed American, 0.0067%; no homozygotes.

Submissions (2):

Women's Health and Genetics/Laboratory Corporation of America, LabCorp
Classification: Uncertain significance. Last evaluated: 2026-01-19. Review status: criteria provided, single submitter. Criteria: LabCorp Variant Classification Summary - May 2015. Collection method: clinical testing. Allele origin: germline.
Comment: Variant summary: ITGA2B c.1414G>A (p.Gly472Arg) results in a non-conservative amino acid change in the encoded protein sequence. Algorithms developed to predict the effect of missense changes on protein structure and function all suggest that this variant is likely to be disruptive. The variant allele was found at a frequency of 2.8e-05 in 251482 control chromosomes. The available data on variant occurrences in the general population are insufficient to allow any conclusion about variant significance. To our knowledge, no occurrence of c.1414G>A in individuals affected with ITGA2B-related conditions and no experimental evidence demonstrating its impact on protein function have been reported. ClinVar contains an entry for this variant (Variation ID: 3703855). Based on the evidence outlined above, the variant was classified as uncertain significance.

Labcorp Genetics (formerly Invitae), Labcorp
Classification: Uncertain significance for Glanzmann thrombasthenia. Last evaluated: 2024-07-30. Review status: criteria provided, single submitter. Criteria: Invitae Variant Classification Sherloc (09022015). Collection method: clinical testing. Allele origin: germline.
Comment: This sequence change replaces glycine, which is neutral and non-polar, with arginine, which is basic and polar, at codon 472 of the ITGA2B protein (p.Gly472Arg). This variant is present in population databases (rs375195998, gnomAD 0.007%). This variant has not been reported in the literature in individuals affected with ITGA2B-related conditions. Advanced modeling of protein sequence and biophysical properties (such as structural, functional, and spatial information, amino acid conservation, physicochemical variation, residue mobility, and thermodynamic stability) performed at Invitae indicates that this missense variant is not expected to disrupt ITGA2B protein function with a negative predictive value of 80%. In summary, the available evidence is currently insufficient to determine the role of this variant in disease. Therefore, it has been classified as a Variant of Uncertain Significance.

NM_000419.5(ITGA2B):c.1414G>A (p.Gly472Arg)

Gene: ITGA2B (integrin subunit alpha 2b; minus strand). Cytogenetic location: 17q21.31.
Variant type: single nucleotide variant.
Coding change: c.1414G>A on transcript NM_000419.5 (MANE Select); coding-DNA position 1414, G replaced by A.
Protein change: p.Gly472Arg; replaces glycine 472 with arginine.
Molecular consequence: missense variant.
Genome position (GRCh38, 1-based): chr17:44,380,625, C>T on the plus strand (G>A on the coding strand, the complement: ITGA2B is on the minus strand). VCF-style: chr17-44380625-C-T. GRCh37 (hg19) VCF-style: chr17-42457993-C-T.
Other names: short protein forms G472R.
Identifiers: ClinVar variation 3703855 (VCV003703855.3).